The following is an entry in ClinVar:

ClinVar aggregate classification (germline): Likely pathogenic (1 of 4 stars; one submission).

Conditions:
Charcot-Marie-Tooth disease axonal type 2N (CMT2N). Also called: Charcot-Marie-Tooth Neuropathy Type 2N; CHARCOT-MARIE-TOOTH DISEASE, AXONAL, AUTOSOMAL DOMINANT, TYPE 2N; CHARCOT-MARIE-TOOTH NEUROPATHY, AXONAL, TYPE 2N. Identifiers: Orphanet 228174, MedGen C2750090, MONDO:0013212, OMIM 613287.

Submission:

Genetic Diseases Diagnostic Center, Koc University Hospital
Classification: Likely pathogenic for Charcot-Marie-Tooth disease axonal type 2N. Last evaluated: 2026-01-31. Review status: criteria provided, single submitter. Criteria: ACMG Guidelines, 2015. Collection method: clinical testing. Allele origin: germline. Inheritance: Autosomal dominant inheritance. Affected: yes.
Comment: This variant creates a shift in the reading frame starting at codon 93. The new reading frame ends in a stop codon 18 positions downstream. Since it does not reside in the last exon, NMD mediated loss of function is predicted for this variant. Loss of function is a known mechanism of disease for the AARS1-related phenotypes (PMID: 28493438) (PVS1). This variant has an extremely low frequency in gnomAD population databases (maximal non founder subpopulations frequency: 0.003%) (PM2). These data support classifying this variant as likely pathogenic based on the ACMG/AMP criteria.

Literature cited by the submitters: PubMed 28493438.

NM_001605.3(AARS1):c.277dup (p.Tyr93fs)

Gene: AARS1 (alanyl-tRNA synthetase 1; minus strand). Cytogenetic location: 16q22.1.
Variant type: Duplication.
Coding change: c.277dup on transcript NM_001605.3 (MANE Select); coding-DNA position 277, one base duplicated (T; older notation c.277dupT).
Protein change: p.Tyr93fs; shifts the reading frame from tyrosine 93.
Molecular consequence: frameshift variant.
Genome position (GRCh38, 1-based): chr16:70,277,022, A duplicated on the plus strand (T on the coding strand, the reverse complement: AARS1 is on the minus strand). VCF-style (leftmost placement, unchanged base first): chr16-70277021-T-TA. GRCh37 (hg19) VCF-style: chr16-70310924-T-TA.
Other names: short protein forms Y93fs.
Identifiers: ClinVar variation 4795854 (VCV004795854.1).